The following is an entry in ClinVar:

GRCh37/hg19 15q11.2-13.1(chr15:22770421-28534245)x3

Genes: GOLGA6L2 (golgin A6 family like 2; minus strand), ATP10A (ATPase phospholipid transporting 10A (putative); minus strand), CYFIP1 (cytoplasmic FMR1 interacting protein 1; minus strand), GABRA5 (gamma-aminobutyric acid type A receptor subunit alpha5; plus strand), GABRB3 (gamma-aminobutyric acid type A receptor subunit beta3; minus strand) and 23 more. Cytogenetic location: 15q11.2-13.1.
Variant type: copy number gain.
Change: copy number 3 (three copies instead of two) of chr15:22,770,421-28,534,245 (5.76 Mb, GRCh37 coordinates, 1-based), cytogenetic band 15q11.2-13.1.
Identifiers: ClinVar variation 564142 (VCV000564142.4).

ClinVar aggregate classification (germline): Pathogenic (0 of 4 stars; one submission).

Submission:

Quest Diagnostics Nichols Institute San Juan Capistrano
Classification: Pathogenic. Last evaluated: 2021-02-01. Review status: no assertion criteria provided. Collection method: clinical testing. Allele origin: germline.
Comment: The 15q11q13 recurrent duplication interval (BP1-BP3) of the Prader-Willi/Angelman critical region is associated with 15q11-q13 duplication syndrome (OMIM 608636). Clinical features can vary between and within families and can include autism, intellectual disability, ataxia, seizures, developmental delays, and behavioral problems. Evidence suggests a parent-of-origin effect, with maternally derived duplications being more frequently associated with abnormal phenotypes. Paternally derived duplications have been reported often in unaffected individuals; however, they also have been identified in some individuals with clinical phenotypes, including autism (Urraca et al., Autism Res. 2013 Aug;6(4):268-79, PMID: 23495136) and seizures (Marini et al., Am J Med Genet A. 2013 Jun;161A(6):1459-64. PMID: 23633446). See GeneReviews for additional information and references.